The following is an entry in ClinVar:

ClinVar aggregate classification (germline): Benign/Likely benign. Review status: criteria provided, multiple submitters, no conflicts (2 of 4 stars). 3 submissions from 3 submitters: Benign (1); Likely benign (2). Last evaluated 2024-10-14.

Allele frequency attached by ClinVar (database versions not stated): TOPMed 0.00012; ESP Exome Variant Server 0.00015; 1000 Genomes Project 30x 0.00016; 1000 Genomes Project 0.00020; gnomAD 0.00044 and 0.00046; gnomAD exomes 0.00064; ExAC 0.00089.

Submissions (3):

Blueprint Genetics
Classification: Likely benign. Last evaluated: 2024-10-14. Review status: criteria provided, single submitter. Criteria: ACMG Guidelines, 2015. Collection method: clinical testing. Allele origin: germline.

CeGaT Center for Human Genetics Tuebingen
Classification: Likely benign. Last evaluated: 2023-02-01. Review status: criteria provided, single submitter. Criteria: CeGaT Center For Human Genetics Tuebingen Variant Classification Criteria Version 2. Collection method: clinical testing. Allele origin: germline. Affected: yes. Observed: 1 variant allele.
Comment: CERT1: BP4, BP7

Labcorp Genetics (formerly Invitae), Labcorp
Classification: Benign. Last evaluated: 2018-07-19. Review status: criteria provided, single submitter. Criteria: Invitae Variant Classification Sherloc (09022015). Collection method: clinical testing. Allele origin: germline.

NM_001379029.1(CERT1):c.1800A>G (p.Arg600=)

Gene: CERT1 (ceramide transporter 1; minus strand). Cytogenetic location: 5q13.3.
Variant type: single nucleotide variant.
Coding change: c.1800A>G on transcript NM_001379029.1 (MANE Select); coding-DNA position 1800, A replaced by G.
Protein change: p.Arg600=; no amino-acid change (arginine 600 retained).
Molecular consequence: synonymous variant. On other transcripts: intron variant (1).
Genome position (GRCh38, 1-based): chr5:75,379,421, T>C on the plus strand (A>G on the coding strand, the complement: CERT1 is on the minus strand). VCF-style: chr5-75379421-T-C. GRCh37 (hg19) VCF-style: chr5-74675246-T-C.
Other names: c.2184A>G, p.Arg728= (NM_001130105.1); c.1800A>G, p.Arg600= (NM_001379002.1, NM_005713.3); c.1722A>G, p.Arg574= (NM_001379003.1, NM_031361.3); c.1669+1651A>G (NM_001379004.1).
Identifiers: ClinVar variation 766008 (VCV000766008.28), dbSNP rs371046717, ClinGen allele CA3308936.